The following is an entry in ClinVar:

NM_017617.5(NOTCH1):c.5215G>A (p.Val1739Met)

Gene: NOTCH1 (notch receptor 1; minus strand). Cytogenetic location: 9q34.3.
Variant type: single nucleotide variant.
Coding change: c.5215G>A on transcript NM_017617.5 (MANE Select); coding-DNA position 5215, G replaced by A.
Protein change: p.Val1739Met; replaces valine 1739 with methionine.
Molecular consequence: missense variant.
Genome position (GRCh38, 1-based): chr9:136,502,441, C>T on the plus strand (G>A on the coding strand, the complement: NOTCH1 is on the minus strand). VCF-style: chr9-136502441-C-T. GRCh37 (hg19) VCF-style: chr9-139396893-C-T.
Other names: c.5215G>A, p.Val1739Met (LRG_1122t1); short protein forms V1739M.
Identifiers: ClinVar variation 520027 (VCV000520027.51), dbSNP rs377294245, ClinGen allele CA5340358.

ClinVar aggregate classification (germline): Conflicting classifications of pathogenicity. Review status: criteria provided, conflicting classifications (1 of 4 stars). 7 submissions from 6 submitters: Uncertain significance (5); Likely benign (2). Last evaluated 2026-01-21.

Conditions:
Aortic valve disease 1 (AOVD1). Identifiers: MedGen C3887892, MONDO:0024523, OMIM 109730.
Bicuspid aortic valve. Identifiers: MedGen C0149630, HP:0001647.
Narrow palate. Identifiers: MedGen C1398312, HP:0000189.
Abnormal vena cava morphology. Identifiers: MedGen C4476886, HP:0005345.
Aortic tortuosity. Identifiers: MedGen C4025003, HP:0006687.
Adams-Oliver syndrome 5 (AOS5). Identifiers: Orphanet 974, MedGen C4014970, MONDO:0014459, OMIM 616028.
Familial thoracic aortic aneurysm and aortic dissection (TAAD). Also called: Thoracic aortic aneurysms and dissections. Identifiers: Orphanet 91387, MedGen C4707243, MONDO:0019625.

Allele frequency attached by ClinVar (database versions not stated): ESP Exome Variant Server 0.00017; TOPMed 0.00005; ExAC 0.00012.
gnomAD v4.1: 63 of 1,607,298 alleles (0.0039%); highest among the groups gnomAD compares: Non-Finnish European, 0.0047%; no homozygotes.

Submissions (7):

Labcorp Genetics (formerly Invitae), Labcorp
Classification: Likely benign for Adams-Oliver syndrome 5. Last evaluated: 2026-01-21. Review status: criteria provided, single submitter. Criteria: Invitae Variant Classification Sherloc (09022015). Collection method: clinical testing. Allele origin: germline.

GeneDx
Classification: Uncertain significance. Last evaluated: 2026-01-14. Review status: criteria provided, single submitter. Criteria: GeneDx Variant Classification Process June 2021. Collection method: clinical testing. Allele origin: germline.
Comment: Has been reported in an individual with BAV, TAAD and connective tissue disorder features, who also carried 4 other variants in other connective tissue disorder genes; however, the NOTCH1 variant did not associated with disease in this family (PMID: 30255099); In silico analysis suggests that this missense variant does not alter protein structure/function; This variant is associated with the following publications: (PMID: 30255099)

Women's Health and Genetics/Laboratory Corporation of America, LabCorp
Classification: Likely benign. Last evaluated: 2025-04-22. Review status: criteria provided, single submitter. Criteria: LabCorp Variant Classification Summary - May 2015. Collection method: clinical testing. Allele origin: germline.
Comment: Variant summary: NOTCH1 c.5215G>A (p.Val1739Met) results in a conservative amino acid change in the encoded protein sequence. Three of five in-silico tools predict a benign effect of the variant on protein function. The variant allele was found at a frequency of 6.6e-05 in 225830 control chromosomes. The observed variant frequency is approximately 2-fold of the estimated maximal expected allele frequency for a pathogenic variant in NOTCH1 causing Aortic Valve Disease phenotype (3.1e-05). c.5215G>A has been observed in a proband affected with bicuspid aortic valve, thoracic aortic root and ascending aorta dilatation, with non-specific connective tissue features; however this individual harbored other potentially causitive variants rare variants in FBN1, LTBP1 and TGFBR3 and the NOTCH1 variant did not fully segregate with disease in this family. This report does not provide unequivocal conclusions about association of the variant with Aortic Valve Disease. To our knowledge, no experimental evidence demonstrating an impact on protein function has been reported. The following publication has been ascertained in the context of this evaluation (PMID: 30255099) ClinVar contains an entry for this variant (Variation ID: 520027). Based on the evidence outlined above, the variant was classified as likely benign.

Ambry Genetics
Classification: Uncertain significance for Familial thoracic aortic aneurysm and aortic dissection. Last evaluated: 2023-10-03. Review status: criteria provided, single submitter. Criteria: Ambry Variant Classification Scheme 2023. Collection method: clinical testing. Allele origin: germline.
Comment: The p.V1739M variant (also known as c.5215G>A), located in coding exon 28 of the NOTCH1 gene, results from a G to A substitution at nucleotide position 5215. The valine at codon 1739 is replaced by methionine, an amino acid with highly similar properties. This variant was also detected in a proband with bicuspid aortic valve, aortic dissection/dilation, and systemic features; however, other variants were also detected (Sticchi E et al. Biomed Res Int, 2018 Sep;2018:8386123). This amino acid position is not well conserved in available vertebrate species. In addition, the in silico prediction for this alteration is inconclusive. Since supporting evidence is limited at this time, the clinical significance of this alteration remains unclear.

CeGaT Center for Human Genetics Tuebingen
Classification: Uncertain significance. Last evaluated: 2022-02-01. Review status: criteria provided, single submitter. Criteria: CeGaT Center For Human Genetics Tuebingen Variant Classification Criteria Version 2. Collection method: clinical testing. Allele origin: germline. Affected: yes. Observed: 1 variant allele.

Centre for Mendelian Genomics, University Medical Centre Ljubljana
Classification: Uncertain significance for Abnormal vena cava morphology; Aortic tortuosity; Bicuspid aortic valve; Narrow palate. Last evaluated: 2017-01-01. Review status: criteria provided, single submitter. Criteria: ACMG Guidelines, 2015. Collection method: clinical testing. Allele origin: unknown. Affected: yes.

Centre for Mendelian Genomics, University Medical Centre Ljubljana
Classification: Uncertain significance for Aortic valve disease 1. Last evaluated: 2016-01-01. Review status: criteria provided, single submitter. Criteria: ACMG Guidelines, 2015. Collection method: clinical testing. Allele origin: unknown. Affected: yes.
Comment: This variant was classified as: Uncertain significance.

Literature cited by the submitters: PubMed 24943832 (cited by Women's Health and Genetics/Laboratory Corporation of America, LabCorp); PubMed 16614245 (cited by Women's Health and Genetics/Laboratory Corporation of America, LabCorp); PubMed 21670202 (cited by Women's Health and Genetics/Laboratory Corporation of America, LabCorp); PubMed 22210878 (cited by Women's Health and Genetics/Laboratory Corporation of America, LabCorp); PubMed 19635999 (cited by Women's Health and Genetics/Laboratory Corporation of America, LabCorp); PubMed 26837699 (cited by Women's Health and Genetics/Laboratory Corporation of America, LabCorp); PubMed 23086750 (cited by Women's Health and Genetics/Laboratory Corporation of America, LabCorp); PubMed 19245433 (cited by Women's Health and Genetics/Laboratory Corporation of America, LabCorp); PubMed 22077063 (cited by Women's Health and Genetics/Laboratory Corporation of America, LabCorp); PubMed 15472075 (cited by Women's Health and Genetics/Laboratory Corporation of America, LabCorp); PubMed 23734977 (cited by Women's Health and Genetics/Laboratory Corporation of America, LabCorp); PubMed 22858860 (cited by Women's Health and Genetics/Laboratory Corporation of America, LabCorp); PubMed 30255099 (cited by Women's Health and Genetics/Laboratory Corporation of America, LabCorp and Ambry Genetics).